The following is an entry in ClinVar:

ClinVar aggregate classification (germline): Uncertain significance (1 of 4 stars; one submission).

Allele frequency attached by ClinVar (database versions not stated): gnomAD exomes 0.00010; gnomAD 0.00011; ExAC 0.00014; TOPMed 0.00014.

Submission:

Labcorp Genetics (formerly Invitae), Labcorp
Classification: Uncertain significance. Last evaluated: 2022-08-15. Review status: criteria provided, single submitter. Criteria: Invitae Variant Classification Sherloc (09022015). Collection method: clinical testing. Allele origin: germline.
Comment: This sequence change replaces alanine, which is neutral and non-polar, with valine, which is neutral and non-polar, at codon 759 of the TOP3A protein (p.Ala759Val). This variant is present in population databases (rs527777765, gnomAD 0.02%). This variant has not been reported in the literature in individuals affected with TOP3A-related conditions. Algorithms developed to predict the effect of missense changes on protein structure and function output the following: SIFT: "Not Available"; PolyPhen-2: "Benign"; Align-GVGD: "Not Available". The valine amino acid residue is found in multiple mammalian species, which suggests that this missense change does not adversely affect protein function. In summary, the available evidence is currently insufficient to determine the role of this variant in disease. Therefore, it has been classified as a Variant of Uncertain Significance.

NM_004618.5(TOP3A):c.2276C>T (p.Ala759Val)

Gene: TOP3A (DNA topoisomerase III alpha; minus strand). Cytogenetic location: 17p11.2.
Variant type: single nucleotide variant.
Coding change: c.2276C>T on transcript NM_004618.5 (MANE Select); coding-DNA position 2276, C replaced by T.
Protein change: p.Ala759Val; replaces alanine 759 with valine.
Molecular consequence: missense variant.
Genome position (GRCh38, 1-based): chr17:18,278,226, G>A on the plus strand (C>T on the coding strand, the complement: TOP3A is on the minus strand). VCF-style: chr17-18278226-G-A. GRCh37 (hg19) VCF-style: chr17-18181540-G-A.
Other names: c.1991C>T, p.Ala664Val (NM_001320759.2); short protein forms A664V, A759V.
Identifiers: ClinVar variation 2200563 (VCV002200563.1), dbSNP rs527777765, ClinGen allele CA8429631.
Genomic context (GRCh38, chr17:18,278,226, plus strand): 5'-TGGCTGTTGTCCATCCTGTTCAGGGACTGGTTAGCCTGCAGGCGGCCAGAGGGCTGGCTA[G>A]CCCTGGGGGGGCCCCCTGAAAATCTCAGGTCCAGGATCTCCCTCAGGGTGTCGTCGCATC-3'
Protein context (NP_004609.1, residues 749-769): DLRFSGGPPR[Ala759Val]SQPSGRLQAN